The following is an entry in ClinVar:

NM_001003841.3(SLC6A19):c.628A>G (p.Met210Val)

Gene: SLC6A19 (solute carrier family 6 member 19; plus strand). Cytogenetic location: 5p15.33.
Variant type: single nucleotide variant.
Coding change: c.628A>G on transcript NM_001003841.3 (MANE Select); coding-DNA position 628, A replaced by G.
Protein change: p.Met210Val; replaces methionine 210 with valine.
Molecular consequence: missense variant.
Genome position (GRCh38, 1-based): chr5:1,212,449, A>G. VCF-style: chr5-1212449-A-G. GRCh37 (hg19) VCF-style: chr5-1212564-A-G.
Other names: short protein forms M210V.
Identifiers: ClinVar variation 1913525 (VCV001913525.5), dbSNP rs2477934506, ClinGen allele CA359066883.

ClinVar aggregate classification (germline): Uncertain significance (1 of 4 stars; one submission).

Allele frequency attached by ClinVar (database versions not stated): gnomAD exomes below 0.00001.
gnomAD v4.1: 1 of 1,610,778 alleles (0.000062%); highest among the groups gnomAD compares: Non-Finnish European, 0.000085%; no homozygotes.

Submission:

Labcorp Genetics (formerly Invitae), Labcorp
Classification: Uncertain significance. Last evaluated: 2022-04-16. Review status: criteria provided, single submitter. Criteria: Invitae Variant Classification Sherloc (09022015). Collection method: clinical testing. Allele origin: germline.
Comment: This sequence change replaces methionine, which is neutral and non-polar, with valine, which is neutral and non-polar, at codon 210 of the SLC6A19 protein (p.Met210Val). This variant is not present in population databases (gnomAD no frequency). This variant has not been reported in the literature in individuals affected with SLC6A19-related conditions. Advanced modeling of protein sequence and biophysical properties (such as structural, functional, and spatial information, amino acid conservation, physicochemical variation, residue mobility, and thermodynamic stability) performed at Invitae indicates that this missense variant is not expected to disrupt SLC6A19 protein function. In summary, the available evidence is currently insufficient to determine the role of this variant in disease. Therefore, it has been classified as a Variant of Uncertain Significance.